The following is an entry in ClinVar:

NM_002755.4(MAP2K1):c.754T>G (p.Ser252Ala)

Gene: MAP2K1 (mitogen-activated protein kinase kinase 1; plus strand). Cytogenetic location: 15q22.31.
Variant type: single nucleotide variant.
Coding change: c.754T>G on transcript NM_002755.4 (MANE Select); coding-DNA position 754, T replaced by G.
Protein change: p.Ser252Ala; replaces serine 252 with alanine.
Molecular consequence: missense variant.
Genome position (GRCh38, 1-based): chr15:66,485,050, T>G. VCF-style: chr15-66485050-T-G. GRCh37 (hg19) VCF-style: chr15-66777388-T-G.
Other names: c.610T>G, p.Ser204Ala (NM_001411065.1); short protein forms S204A, S252A.
Identifiers: ClinVar variation 2575691 (VCV002575691.4), dbSNP rs2140674254, ClinGen allele CA392937040.

ClinVar aggregate classification (germline): Uncertain significance. Review status: criteria provided, multiple submitters, no conflicts (2 of 4 stars). 2 submissions from 2 submitters: Uncertain significance (2). Last evaluated 2023-08-17.

Conditions:
RASopathy. Also called: rasopathies; Noonan spectrum disorder. Identifiers: Orphanet 536391, MedGen C5555857, MONDO:0021060.

Submissions (2):

Labcorp Genetics (formerly Invitae), Labcorp
Classification: Uncertain significance for RASopathy. Last evaluated: 2023-08-17. Review status: criteria provided, single submitter. Criteria: Invitae Variant Classification Sherloc (09022015). Collection method: clinical testing. Allele origin: germline.
Comment: In summary, the available evidence is currently insufficient to determine the role of this variant in disease. Therefore, it has been classified as a Variant of Uncertain Significance. Advanced modeling of protein sequence and biophysical properties (such as structural, functional, and spatial information, amino acid conservation, physicochemical variation, residue mobility, and thermodynamic stability) has been performed at Invitae for this missense variant, however the output from this modeling did not meet the statistical confidence thresholds required to predict the impact of this variant on MAP2K1 protein function. This variant has not been reported in the literature in individuals affected with MAP2K1-related conditions. This variant is not present in population databases (gnomAD no frequency). This sequence change replaces serine, which is neutral and polar, with alanine, which is neutral and non-polar, at codon 252 of the MAP2K1 protein (p.Ser252Ala).

GeneDx
Classification: Uncertain significance. Last evaluated: 2023-02-10. Review status: criteria provided, single submitter. Criteria: GeneDx Variant Classification Process June 2021. Collection method: clinical testing. Allele origin: germline. Affected: yes.
Comment: Not observed at significant frequency in large population cohorts (gnomAD); Missense variants in this gene are often considered pathogenic (HGMD); In silico analysis supports that this missense variant has a deleterious effect on protein structure/function; Has not been previously published as pathogenic or benign to our knowledge